The following is an entry in ClinVar:

NM_000535.7(PMS2):c.1096G>C (p.Asp366His)

Gene: PMS2 (PMS1 homolog 2, mismatch repair system component; minus strand). Cytogenetic location: 7p22.1.
Variant type: single nucleotide variant.
Coding change: c.1096G>C on transcript NM_000535.7 (MANE Select); coding-DNA position 1096, G replaced by C.
Protein change: p.Asp366His; replaces aspartic acid 366 with histidine.
Molecular consequence: missense variant. On other transcripts: non-coding transcript variant (1), intron variant (2).
Genome position (GRCh38, 1-based): chr7:5,989,848, C>G on the plus strand (G>C on the coding strand, the complement: PMS2 is on the minus strand). VCF-style: chr7-5989848-C-G. GRCh37 (hg19) VCF-style: chr7-6029479-C-G.
Other names: p.D366H:GAT>CAT; c.691G>C, p.Asp231His (NM_001322003.2, NM_001322004.2, NM_001322005.2 and 1 more transcripts); c.778G>C, p.Asp260His (NM_001322007.2, NM_001322008.2); c.163G>C, p.Asp55His (NM_001322011.2, NM_001322012.2); c.523G>C, p.Asp175His (NM_001322013.2); c.1096G>C, p.Asp366His (NM_001322014.2); c.787G>C, p.Asp263His (NM_001322015.2); c.583+2125G>C (NM_001322010.2); and 1 more; short protein forms D366H, D231H, D55H, D263H, D175H, D260H.
Identifiers: ClinVar variation 127753 (VCV000127753.50), dbSNP rs141769057, ClinGen allele CA009190.

ClinVar aggregate classification (germline): Conflicting classifications of pathogenicity. Review status: criteria provided, conflicting classifications (1 of 4 stars). 15 submissions from 15 submitters: Uncertain significance (9); Likely benign (5). 1 of the submissions does not count toward it. Last evaluated 2026-01-31.

Conditions:
Hereditary nonpolyposis colorectal neoplasms. Identifiers: MedGen C0009405, MeSH D003123.
PMS2-related disorder. Also called: PMS2-related condition.
Hereditary cancer-predisposing syndrome. Also called: Hereditary neoplastic syndrome; Neoplastic Syndromes, Hereditary; Hereditary Cancer Syndrome; Tumor predisposition. Identifiers: Orphanet 140162, MedGen C0027672, MeSH D009386, MONDO:0015356.
Lynch syndrome. Identifiers: Orphanet 144, MedGen C4552100, MONDO:0005835. Disease mechanism: loss of function.
Lynch syndrome 4 (LYNCH4). Also called: Colorectal cancer, hereditary nonpolyposis, type 4; Hereditary non-polyposis colorectal cancer, type 4. Identifiers: Orphanet 144, MedGen C1838333, MONDO:0013699, OMIM 614337. Disease mechanism: loss of function.

Allele frequency attached by ClinVar (database versions not stated): gnomAD exomes below 0.00001; TOPMed 0.00002; gnomAD 0.00003.
gnomAD v4.1: 23 of 1,612,744 alleles (0.0014%); highest among the groups gnomAD compares: East Asian, 0.0089%; no homozygotes.

Submissions (15):

Labcorp Genetics (formerly Invitae), Labcorp
Classification: Likely benign for Hereditary nonpolyposis colorectal neoplasms. Last evaluated: 2026-01-31. Review status: criteria provided, single submitter. Criteria: Invitae Variant Classification Sherloc (09022015). Collection method: clinical testing. Allele origin: germline.

Quest Diagnostics Nichols Institute San Juan Capistrano
Classification: Uncertain significance. Last evaluated: 2025-10-09. Review status: criteria provided, single submitter. Criteria: Quest Diagnostics criteria. Collection method: clinical testing. Allele origin: unknown.
Comment: The PMS2 c.1096G>C (p.Asp366His) variant has been reported in the published literature in individuals with breast cancer (PMID: 25503501 (2015)), colorectal cancer (PMID: 31391288 (2020)), acute myeloid leukemia (PMID: 34482403 (2022)), and unspecific cancer (PMID: 39334433 (2024)). In a large scale breast cancer association study, this variant has been observed in breast cancer cases and reportedly unaffected individuals (PMID: 33471991 (2021), see also LOVD). The frequency of this variant in the general population (Genome Aggregation Database) is uninformative in the assessment of its pathogenicity. Analysis of this variant using bioinformatics tools for the prediction of the effect of amino acid changes on protein structure and function yielded conflicting predictions that this variant is benign or damaging. Based on the available information, we are unable to determine the clinical significance of this variant.

Women's Health and Genetics/Laboratory Corporation of America, LabCorp
Classification: Likely benign. Last evaluated: 2025-09-03. Review status: criteria provided, single submitter. Criteria: LabCorp Variant Classification Summary - May 2015. Collection method: clinical testing. Allele origin: germline.
Comment: Variant summary: PMS2 c.1096G>C (p.Asp366His) results in a non-conservative amino acid change in the encoded protein sequence. Algorithms developed to predict the effect of missense changes on protein structure and function are either unavailable or do not agree on the potential impact of this missense change. The variant allele was found at a frequency of 1.4e-05 in 1605752 control chromosomes, predominantly at a frequency of 0.00027 within the East Asian subpopulation in the gnomAD database (v4.1 dataset), which exceeds the estimated maximal expected allele frequency for disease-causing variants in PMS2. c.1096G>C has been observed in individuals affected with Lynch related cancers, as well as other tumor phenotypes, but it was also found in unaffected controls (e.g. Maxwell_2014, Li_2020, Dorling_2021). To our knowledge, no experimental evidence demonstrating an impact on protein function has been reported. The following publications have been ascertained in the context of this evaluation (PMID: 33471991, 31422818, 31391288, 25503501). ClinVar contains an entry for this variant (Variation ID: 127753). Based on the evidence outlined above, the variant was classified as likely benign.

Institute for Biomarker Research, Medical Diagnostic Laboratories, L.L.C.
Classification: Uncertain significance for Hereditary cancer-predisposing syndrome. Last evaluated: 2025-08-27. Review status: criteria provided, single submitter. Criteria: ACMG Guidelines, 2015. Collection method: clinical testing. Allele origin: germline.
Comment: The missense variant NM_001322014.2(PMS2):c.1096G>C (p.Asp366His) has not been reported previously as a pathogenic variant, to our knowledge. The p.Asp366His variant is observed in 1/18,348 (0.0055%) alleles from individuals of gnomAD East Asian background in gnomAD. There is a moderate physicochemical difference between aspartic acid and histidine. For these reasons, this variant has been classified as Uncertain Significance.

St. Jude Molecular Pathology, St. Jude Children's Research Hospital
Classification: Uncertain significance for Lynch syndrome 4. Last evaluated: 2025-06-17. Review status: criteria provided, single submitter. Criteria: St. Jude Assertion Criteria 2020. Collection method: clinical testing. Allele origin: germline.
Comment: The PMS2 c.1096G>C p.(Asp366His) missense change has a maximum subpopulation frequency of 0.010% in gnomAD v2.1.1. The MAPP/PP2 Prior P score predicts a benign effect, but this prediction has not been confirmed by functional studies. This variant has been reported in individuals with a personal and/or family history of colorectal cancer and/or adenomatous colon polyps (PMID: 31422818, 39334433). It has also been reported in an individual with early onset breast cancer and negative BRCA1/2 testing (PMID: 25503501). This variant has not been reported in individuals with constitutional mismatch repair deficiency. In summary, the evidence currently available is insufficient to determine the clinical significance of this variant. It has therefore been classified as of uncertain significance.

GeneDx
Classification: Uncertain significance. Last evaluated: 2025-04-18. Review status: criteria provided, single submitter. Criteria: GeneDx Variant Classification Process June 2021. Collection method: clinical testing. Allele origin: germline. Affected: yes.
Comment: In silico analysis indicates that this missense variant does not alter protein structure/function; Reported in individuals with breast or uterine cancer (PMID: 25503501, 29684080); This variant is associated with the following publications: (PMID: 25503501, 27181684, 29684080, 31391288, 31422818, 33471991)

Center for Genomic Medicine, Rigshospitalet, Copenhagen University Hospital
Classification: Uncertain significance. Last evaluated: 2025-03-04. Review status: criteria provided, single submitter. Criteria: ACMG Guidelines, 2015. Collection method: clinical testing. Allele origin: germline.

Color Diagnostics, LLC DBA Color Health
Classification: Likely benign for Hereditary cancer-predisposing syndrome. Last evaluated: 2024-10-16. Review status: criteria provided, single submitter. Criteria: ACMG Guidelines, 2015. Collection method: clinical testing. Allele origin: germline.

Molecular Pathology, Peter Maccallum Cancer Centre
Classification: Uncertain significance for Lynch syndrome 4. Last evaluated: 2024-06-24. Review status: criteria provided, single submitter. Criteria: ACMG Guidelines, 2015. Collection method: clinical testing. Allele origin: germline. Inheritance: Autosomal dominant inheritance.

Myriad Genetics, Inc.
Classification: Likely benign for Lynch syndrome 4. Last evaluated: 2023-06-12. Review status: criteria provided, single submitter. Criteria: Myriad Autosomal Dominant, Autosomal Recessive and X-Linked Classification Criteria (2023). Collection method: clinical testing. Allele origin: unknown.
Comment: This variant is considered likely benign. Homozygosity for this variant has been confirmed in one or more individuals lacking clinical features consistent with gene-specific recessive disease, indicating that this variant is unlikely to be pathogenic.

Department of Pathology and Laboratory Medicine, Sinai Health System
Classification: Uncertain significance for Lynch syndrome. Last evaluated: 2022-07-25. Review status: criteria provided, single submitter. Criteria: ACMG Guidelines, 2015. Collection method: clinical testing. Allele origin: germline. Affected: yes.

Ambry Genetics
Classification: Likely benign for Hereditary cancer-predisposing syndrome. Last evaluated: 2020-12-15. Review status: criteria provided, single submitter. Criteria: Ambry Variant Classification Scheme 2023. Collection method: clinical testing. Allele origin: germline.

Laboratory for Molecular Medicine, Mass General Brigham Personalized Medicine
Classification: Uncertain significance. Last evaluated: 2017-04-03. Review status: criteria provided, single submitter. Criteria: LMM Criteria. Collection method: clinical testing. Allele origin: germline. Observed: 1 variant allele.
Comment: The p.Asp366His variant in PMS2 has been previously identified in at least 1 in dividual with early onset breast cancer who had tested negative for variants in BRCA1 and 2 (Maxwell 2015). This variant has also been identified in 1/8654 of E ast Asian chromosomes and 1/11578 of Latino chromosomes by the Exome Aggregation Consortium (ExAC; dbSNP rs141769057). Asparagin e (Asp) at position 366 is not conserved in mammals or evolutionarily distant sp ecies and the change to histidine (His) is present in 2 turtle species, suggesti ng this change may be tolerated. Additional computational prediction tools do no t provide strong support for or against an impact to the protein. In summary, th e clinical significance of the p.Asp366His variant is uncertain.

CSER _CC_NCGL, University of Washington
Classification: Uncertain significance for Lynch syndrome. Last evaluated: 2016-10-01. Review status: criteria provided, single submitter. Criteria: Amendola et al. (Genome Res. 2015). Collection method: research. Allele origin: germline. Affected: yes. Study: CSER - NEXT Medicine variant annotation.
Comment: This interpretation considers GERP score and allele frequency data, in addition to published reports of the variant in the literature, available at the time of review.

PreventionGenetics, part of Exact Sciences
Classification: Likely benign for PMS2-related condition. Last evaluated: 2024-08-28. Review status: no assertion criteria provided. Collection method: clinical testing. Allele origin: germline. Not counted in ClinVar's aggregate classification.
Comment: This variant is classified as likely benign based on ACMG/AMP sequence variant interpretation guidelines (Richards et al. 2015 PMID: 25741868, with internal and published modifications).

Literature cited by the submitters: PubMed 33471991 (cited by Quest Diagnostics Nichols Institute San Juan Capistrano and Women's Health and Genetics/Laboratory Corporation of America, LabCorp); PubMed 25503501 (cited by 5 submitters); PubMed 31391288 (cited by 3 submitters); PubMed 31422818 (cited by Quest Diagnostics Nichols Institute San Juan Capistrano and Women's Health and Genetics/Laboratory Corporation of America, LabCorp); PubMed 39334433 (cited by Quest Diagnostics Nichols Institute San Juan Capistrano); PubMed 34482403 (cited by Quest Diagnostics Nichols Institute San Juan Capistrano); PubMed 29684080 (cited by Department of Pathology and Laboratory Medicine, Sinai Health System).